The following is an entry in ClinVar:

ClinVar aggregate classification (germline): Uncertain significance (1 of 4 stars; one submission).

Conditions:
Autosomal recessive congenital ichthyosis 2 (ARCI2). Identifiers: Orphanet 281122, Orphanet 79394, MedGen C3888093, MONDO:0009439, OMIM 242100.

gnomAD v4.1: 5 of 1,614,082 alleles (0.00031%); highest among the groups gnomAD compares: East Asian, 0.0022%; no homozygotes.

Submission:

Juno Genomics, Hangzhou Juno Genomics, Inc
Classification: Uncertain significance for Autosomal recessive congenital ichthyosis 2. Review status: criteria provided, single submitter. Criteria: ACMG Guidelines, 2015. Collection method: clinical testing. Allele origin: germline.
Comment: Absent from controls (or at extremely low frequency if recessive) in Genome Aggregation Database.;Multiple lines of computational evidence support a deleterious effect on the gene or gene product.

NM_001139.3(ALOX12B):c.1621T>C (p.Phe541Leu)

Gene: ALOX12B (arachidonate 12-lipoxygenase, 12R type; minus strand). Cytogenetic location: 17p13.1.
Variant type: single nucleotide variant.
Coding change: c.1621T>C on transcript NM_001139.3 (MANE Select); coding-DNA position 1621, T replaced by C.
Protein change: p.Phe541Leu; replaces phenylalanine 541 with leucine.
Molecular consequence: missense variant.
Genome position (GRCh38, 1-based): chr17:8,075,628, A>G on the plus strand (T>C on the coding strand, the complement: ALOX12B is on the minus strand). VCF-style: chr17-8075628-A-G. GRCh37 (hg19) VCF-style: chr17-7978946-A-G.
Other names: short protein forms F541L.
Identifiers: ClinVar variation 5005855 (VCV005005855.2).
Genomic context (GRCh38, chr17:8,075,628, plus strand): 5'-TGATTGCCCAGGTGTCCAGGCCCATACCTGAGCTCTCCCGCCCCAGGAGGCACTCTTTAA[A>G]TATTTCCTGCACCCAAGACTGCAATTCCGGATCACCCTCCACGGCTGCGTCACTCGGGTA-3'
Protein context (NP_001130.1, residues 531-551): PELQSWVQEI[Phe541Leu]KECLLGRESS